The following is an entry in ClinVar:

ClinVar aggregate classification (germline): Uncertain significance (1 of 4 stars; one submission).

Allele frequency attached by ClinVar (database versions not stated): TOPMed 0.00006; gnomAD 0.00007; gnomAD exomes 0.00008; ExAC 0.00011.
gnomAD v4.1: 123 of 1,614,212 alleles (0.0076%); highest among the groups gnomAD compares: East Asian, 0.12%; 2 homozygotes.

Submission:

Labcorp Genetics (formerly Invitae), Labcorp
Classification: Uncertain significance. Last evaluated: 2024-11-11. Review status: criteria provided, single submitter. Criteria: Invitae Variant Classification Sherloc (09022015). Collection method: clinical testing. Allele origin: germline.
Comment: This sequence change replaces glutamine, which is neutral and polar, with histidine, which is basic and polar, at codon 403 of the KRT10 protein (p.Gln403His). This variant is present in population databases (rs755819413, gnomAD 0.08%). This variant has not been reported in the literature in individuals affected with KRT10-related conditions. ClinVar contains an entry for this variant (Variation ID: 2181729). Invitae Evidence Modeling of protein sequence and biophysical properties (such as structural, functional, and spatial information, amino acid conservation, physicochemical variation, residue mobility, and thermodynamic stability) has been performed for this missense variant. However, the output from this modeling did not meet the statistical confidence thresholds required to predict the impact of this variant on KRT10 protein function. In summary, the available evidence is currently insufficient to determine the role of this variant in disease. Therefore, it has been classified as a Variant of Uncertain Significance.

NM_000421.5(KRT10):c.1209G>C (p.Gln403His)

Genes: KRT10 (keratin 10; minus strand), KRT10-AS1 (KRT10 antisense RNA 1; plus strand), LOC126862559 (BRD4-independent group 4 enhancer GRCh37_chr17:38975907-38977106; plus strand). Cytogenetic location: 17q21.2.
Variant type: single nucleotide variant.
Coding change: c.1209G>C on transcript NM_000421.5 (MANE Select); coding-DNA position 1209, G replaced by C.
Protein change: p.Gln403His; replaces glutamine 403 with histidine.
Molecular consequence: missense variant.
Genome position (GRCh38, 1-based): chr17:40,819,681, C>G on the plus strand (G>C on the coding strand, the complement: KRT10 is on the minus strand). VCF-style: chr17-40819681-C-G. GRCh37 (hg19) VCF-style: chr17-38975933-C-G.
Other names: c.1209G>C, p.Gln403His (NM_001379366.1); short protein forms Q403H.
Identifiers: ClinVar variation 2181729 (VCV002181729.4), dbSNP rs755819413, ClinGen allele CA8548103.